The following is an entry in ClinVar:

NM_002615.7(SERPINF1):c.955C>G (p.Leu319Val)

Gene: SERPINF1 (serpin family F member 1; plus strand). Cytogenetic location: 17p13.3.
Variant type: single nucleotide variant.
Coding change: c.955C>G on transcript NM_002615.7 (MANE Select); coding-DNA position 955, C replaced by G.
Protein change: p.Leu319Val; replaces leucine 319 with valine.
Molecular consequence: missense variant.
Genome position (GRCh38, 1-based): chr17:1,776,700, C>G. VCF-style: chr17-1776700-C-G. GRCh37 (hg19) VCF-style: chr17-1679994-C-G.
Other names: c.955C>G, p.Leu319Val (NM_001329903.2); c.394C>G, p.Leu132Val (NM_001329904.2, NM_001329905.2); short protein forms L319V, L132V.
Identifiers: ClinVar variation 1516358 (VCV001516358.6), dbSNP rs2151212971, ClinGen allele CA397589901.

ClinVar aggregate classification (germline): Likely pathogenic (1 of 4 stars; one submission).

Submission:

Labcorp Genetics (formerly Invitae), Labcorp
Classification: Likely pathogenic. Last evaluated: 2024-02-24. Review status: criteria provided, single submitter. Criteria: Invitae Variant Classification Sherloc (09022015). Collection method: clinical testing. Allele origin: germline.
Comment: This sequence change replaces leucine with valine at codon 319 of the SERPINF1 protein (p.Leu319Val). The leucine residue is highly conserved and there is a small physicochemical difference between leucine and valine. This variant is not present in population databases (gnomAD no frequency). This missense change has been observed in individual(s) with osteogenesis imperfecta (Invitae). In at least one individual the data is consistent with being in trans (on the opposite chromosome) from a pathogenic variant. ClinVar contains an entry for this variant (Variation ID: 1516358). Advanced modeling of protein sequence and biophysical properties (such as structural, functional, and spatial information, amino acid conservation, physicochemical variation, residue mobility, and thermodynamic stability) performed at Invitae indicates that this missense variant is not expected to disrupt SERPINF1 protein function with a negative predictive value of 80%. Algorithms developed to predict the effect of sequence changes on RNA splicing suggest that this variant may disrupt the consensus splice site. In summary, the currently available evidence indicates that the variant is pathogenic, but additional data are needed to prove that conclusively. Therefore, this variant has been classified as Likely Pathogenic.